The following is an entry in ClinVar:

ClinVar aggregate classification (germline): Uncertain significance. Review status: criteria provided, multiple submitters, no conflicts (2 of 4 stars). 2 submissions from 2 submitters: Uncertain significance (2). Last evaluated 2022-04-23.

Conditions:
Progressive myoclonic epilepsy. Also called: Familial progressive myoclonic epilepsy; Myoclonus epilepsy; Progressive myoclonus epilepsy; Myoclonic Epilepsies, Progressive. Identifiers: Orphanet 308, Orphanet 98261, MedGen C0751778, MONDO:0020074.

Allele frequency attached by ClinVar (database versions not stated): gnomAD 0.00003; TOPMed 0.00001.
gnomAD v4.1: 1 of 1,548,328 alleles (0.000065%); highest among the groups gnomAD compares: Non-Finnish European, 0.000087%; no homozygotes.

Submissions (2):

Labcorp Genetics (formerly Invitae), Labcorp
Classification: Uncertain significance for Progressive myoclonic epilepsy. Last evaluated: 2022-04-23. Review status: criteria provided, single submitter. Criteria: Invitae Variant Classification Sherloc (09022015). Collection method: clinical testing. Allele origin: germline.
Comment: This variant has not been reported in the literature in individuals affected with GOSR2-related conditions. In summary, the available evidence is currently insufficient to determine the role of this variant in disease. Therefore, it has been classified as a Variant of Uncertain Significance. Algorithms developed to predict the effect of missense changes on protein structure and function are either unavailable or do not agree on the potential impact of this missense change (SIFT: "Deleterious"; PolyPhen-2: "Benign"; Align-GVGD: "Class C0"). ClinVar contains an entry for this variant (Variation ID: 429688). This variant is present in population databases (no rsID available, gnomAD 0.007%). This sequence change replaces proline, which is neutral and non-polar, with histidine, which is basic and polar, at codon 3 of the GOSR2 protein (p.Pro3His).

GeneDx
Classification: Uncertain significance. Last evaluated: 2017-05-11. Review status: criteria provided, single submitter. Criteria: GeneDx Variant Classification (06012015). Collection method: clinical testing. Allele origin: germline. Affected: yes.
Comment: A variant of uncertain significance has been identified in the GOSR2 gene. The P3H variant has not been published as a pathogenic variant, nor has it been reported as a benign variant to our knowledge. The P3H variant is not observed in large population cohorts (Lek et al., 2016; 1000 Genomes Consortium et al., 2015; Exome Variant Server). The P3H variant is a non-conservative amino acid substitution, which is likely to impact secondary protein structure as these residues differ in polarity, charge, size and/or other properties. This substitution occurs at a position that is conserved across species. However, in silico analysis is inconsistent in its predictions as to whether or not the variant is damaging to the protein structure/function. Therefore, based on the currently available information, it is unclear whether this variant is a pathogenic variant or a rare benign variant.

NM_004287.5(GOSR2):c.8C>A (p.Pro3His)

Genes: GOSR2 (golgi SNAP receptor complex member 2; plus strand), LRRC37A2 (leucine rich repeat containing 37 member A2). Cytogenetic location: 17q21.32.
Variant type: single nucleotide variant.
Coding change: c.8C>A on transcript NM_004287.5 (MANE Select); coding-DNA position 8, C replaced by A.
Protein change: p.Pro3His; replaces proline 3 with histidine.
Molecular consequence: missense variant. On other transcripts: 5 prime UTR variant (2), non-coding transcript variant (3).
Genome position (GRCh38, 1-based): chr17:46,923,200, C>A. VCF-style: chr17-46923200-C-A. GRCh37 (hg19) VCF-style: chr17-45000566-C-A.
Other names: c.8C>A, p.Pro3His (NM_001012511.3, NM_001321133.2, NM_001330252.2 and 4 more transcripts); c.-95C>A (NM_001321134.2); c.-458C>A (NM_001363851.2); short protein forms P3H.
Identifiers: ClinVar variation 429688 (VCV000429688.12), dbSNP rs1131691533, ClinGen allele CA400015686.